The following is an entry in ClinVar:

ClinVar aggregate classification (germline): Conflicting classifications of pathogenicity. Review status: criteria provided, conflicting classifications (1 of 4 stars). 9 submissions from 6 submitters: Uncertain significance (7); Likely benign (2). Last evaluated 2026-08-07.

Conditions:
Autosomal dominant hypocalcemia 1 (HYPOC1). Also called: HYPOCALCEMIA, FAMILIAL. Identifiers: MedGen C3715128, MONDO:0011013, OMIM 601198.
Familial hypocalciuric hypercalcemia (FHH). Also called: Familial benign hypercalcemia. Identifiers: Orphanet 405, MedGen C1809471, MONDO:0018458.
Neonatal severe primary hyperparathyroidism. Identifiers: Orphanet 417, MedGen C1832615, MONDO:0009397, OMIM 239200.
Epilepsy, idiopathic generalized, susceptibility to, 8. Identifiers: MedGen C2752062, MONDO:0013032, OMIM 612899.
Familial hypocalciuric hypercalcemia 1. Also called: Hypercalcemia, familial benign type 1. Identifiers: Orphanet 405, Orphanet 93372, MedGen C0342637, MONDO:0007791, OMIM 145980.
CASR-related disorder. Also called: CASR-related condition.
Nephrolithiasis/nephrocalcinosis. Identifiers: MedGen CN580796.
Familial hypoparathyroidism. Also called: Familial isolated hypoparathyroidism. Identifiers: Orphanet 2238, MedGen C1832648, MONDO:0016390.

Allele frequency attached by ClinVar (database versions not stated): TOPMed below 0.00001; gnomAD 0.00001; gnomAD exomes 0.00001; ExAC 0.00002.
gnomAD v4.1: 21 of 1,613,854 alleles (0.0013%); highest among the groups gnomAD compares: Middle Eastern, 0.033%; no homozygotes.

Submissions (9):

PreventionGenetics, part of Exact Sciences
Classification: Uncertain significance for CASR-related condition. Last evaluated: 2026-08-07. Review status: criteria provided, single submitter. Criteria: ACMG Guidelines, 2015. Collection method: clinical testing. Allele origin: germline.
Comment: The CASR c.2285G>A variant is predicted to result in the amino acid substitution p.Arg762His. On an alternate transcript, this variant can also be reported as NM_000388.3:c.2255G>A (p.Arg752His). To our knowledge, this variant has not been reported in the literature. At PreventionGenetics, we have observed the c.2285G>A variant in two patients undergoing testing for hypocalciuric hypercalcemia (internal data). An alternate missense variant at the same amino acid position has also been reported in the literature in a patient with familial hypocalciuric hypercalcemia (reported as NM_000388.4:c.2254C>T (p.Arg752Cys) in Hannan et al. 2012. PubMed ID: 22422767). This variant is reported in 0.0023% of alleles in individuals of European (non-Finnish) descent in gnomAD. Although we suspect this variant could be pathogenic, at this time, the clinical significance of this variant is uncertain due to the absence of conclusive functional and genetic evidence.

Labcorp Genetics (formerly Invitae), Labcorp
Classification: Likely benign for Familial hypocalciuric hypercalcemia; Autosomal dominant hypocalcemia 1. Last evaluated: 2025-05-05. Review status: criteria provided, single submitter. Criteria: Invitae Variant Classification Sherloc (09022015). Collection method: clinical testing. Allele origin: germline.

GeneDx
Classification: Uncertain significance. Last evaluated: 2025-02-21. Review status: criteria provided, single submitter. Criteria: GeneDx Variant Classification Process June 2021. Collection method: clinical testing. Allele origin: germline. Affected: yes.
Comment: In silico analysis supports that this missense variant has a deleterious effect on protein structure/function; Not observed at significant frequency in large population cohorts (gnomAD); This variant is associated with the following publications: (PMID: Dahmani2022[Abstract])

Ambry Genetics
Classification: Uncertain significance for Nephrolithiasis/nephrocalcinosis. Last evaluated: 2024-07-22. Review status: criteria provided, single submitter. Criteria: Ambry Variant Classification Scheme 2023. Collection method: clinical testing. Allele origin: germline.
Comment: The p.R752H variant (also known as c.2255G>A), located in coding exon 6 of the CASR gene, results from a G to A substitution at nucleotide position 2255. The arginine at codon 752 is replaced by histidine, an amino acid with highly similar properties. This amino acid position is well conserved in available vertebrate species. In addition, the in silico prediction for this alteration is inconclusive. Based on the available evidence, the clinical significance of this variant remains unclear.

Fulgent Genetics
Classification: Uncertain significance for Familial hypocalciuric hypercalcemia 1; Neonatal severe primary hyperparathyroidism; Autosomal dominant hypocalcemia 1; Epilepsy, idiopathic generalized, susceptibility to, 8. Last evaluated: 2024-05-15. Review status: criteria provided, single submitter. Criteria: ACMG Guidelines, 2015. Collection method: clinical testing. Allele origin: germline.

Illumina Laboratory Services, Illumina
Classification: Uncertain significance for Familial hypocalciuric hypercalcemia 1. Last evaluated: 2018-01-13. Review status: criteria provided, single submitter. Criteria: ICSL Variant Classification Criteria 13 December 2019. Collection method: clinical testing. Allele origin: germline.

Illumina Laboratory Services, Illumina
Classification: Uncertain significance for Neonatal severe primary hyperparathyroidism. Last evaluated: 2018-01-13. Review status: criteria provided, single submitter. Criteria: ICSL Variant Classification Criteria 13 December 2019. Collection method: clinical testing. Allele origin: germline.

Illumina Laboratory Services, Illumina
Classification: Uncertain significance for Autosomal dominant hypocalcemia 1. Last evaluated: 2018-01-13. Review status: criteria provided, single submitter. Criteria: ICSL Variant Classification Criteria 13 December 2019. Collection method: clinical testing. Allele origin: germline.

Illumina Laboratory Services, Illumina
Classification: Likely benign for Familial isolated hypoparathyroidism. Last evaluated: 2018-01-13. Review status: criteria provided, single submitter. Criteria: ICSL Variant Classification Criteria 13 December 2019. Collection method: clinical testing. Allele origin: germline.
Comment: This variant was observed in the ICSL laboratory as part of a predisposition screen in an ostensibly healthy population. It had not been previously curated by ICSL or reported in the Human Gene Mutation Database (HGMD: prior to June 1st, 2018), and was therefore a candidate for classification through an automated scoring system. Utilizing variant allele frequency, disease prevalence and penetrance estimates, and inheritance mode, an automated score was calculated to assess if this variant is too frequent to cause the disease. Based on the score and internal cut-off values, a variant classified as likely benign is not then subjected to further curation. The score for this variant resulted in a classification of likely benign for this disease.

NM_000388.4(CASR):c.2255G>A (p.Arg752His)

Gene: CASR (calcium sensing receptor; plus strand). Cytogenetic location: 3q21.1.
Variant type: single nucleotide variant.
Coding change: c.2255G>A on transcript NM_000388.4 (MANE Select); coding-DNA position 2255, G replaced by A.
Protein change: p.Arg752His; replaces arginine 752 with histidine.
Molecular consequence: missense variant.
Genome position (GRCh38, 1-based): chr3:122,284,209, G>A. VCF-style: chr3-122284209-G-A. GRCh37 (hg19) VCF-style: chr3-122003056-G-A.
Other names: c.2285G>A (NM_001178065.1); c.2285G>A, p.Arg762His (NM_001178065.2); short protein forms R752H, R762H.
Identifiers: ClinVar variation 532595 (VCV000532595.19), dbSNP rs771529256, ClinGen allele CA2569805.